The following is an entry in ClinVar:

ClinVar aggregate classification (germline): Uncertain significance. Review status: criteria provided, multiple submitters, no conflicts (2 of 4 stars). 2 submissions from 2 submitters: Uncertain significance (2). Last evaluated 2024-10-29.

Conditions:
Infantile spasms. Also called: Infantile spasm. Identifiers: MedGen C3887898, HP:0012469.

gnomAD v4.1: 4 of 1,612,098 alleles (0.00025%); highest among the groups gnomAD compares: East Asian, 0.0022%; no homozygotes.

Submissions (2):

Labcorp Genetics (formerly Invitae), Labcorp
Classification: Uncertain significance for Infantile spasms. Last evaluated: 2024-10-29. Review status: criteria provided, single submitter. Criteria: Invitae Variant Classification Sherloc (09022015). Collection method: clinical testing. Allele origin: germline.
Comment: This sequence change replaces proline, which is neutral and non-polar, with glutamine, which is neutral and polar, at codon 763 of the PIK3AP1 protein (p.Pro763Gln). This variant is present in population databases (no rsID available, gnomAD 0.006%). This variant has not been reported in the literature in individuals affected with PIK3AP1-related conditions. ClinVar contains an entry for this variant (Variation ID: 2173114). An algorithm developed to predict the effect of missense changes on protein structure and function outputs the following: PolyPhen-2: "Benign". The glutamine amino acid residue is found in multiple mammalian species, which suggests that this missense change does not adversely affect protein function. In summary, the available evidence is currently insufficient to determine the role of this variant in disease. Therefore, it has been classified as a Variant of Uncertain Significance.

Ambry Genetics
Classification: Uncertain significance. Last evaluated: 2023-10-13. Review status: criteria provided, single submitter. Criteria: Ambry Variant Classification Scheme 2023. Collection method: clinical testing. Allele origin: germline.

NM_152309.3(PIK3AP1):c.2288C>A (p.Pro763Gln)

Gene: PIK3AP1 (phosphoinositide-3-kinase adaptor protein 1; minus strand). Cytogenetic location: 10q24.1.
Variant type: single nucleotide variant.
Coding change: c.2288C>A on transcript NM_152309.3 (MANE Select); coding-DNA position 2288, C replaced by A.
Protein change: p.Pro763Gln; replaces proline 763 with glutamine.
Molecular consequence: missense variant.
Genome position (GRCh38, 1-based): chr10:96,602,352, G>T on the plus strand (C>A on the coding strand, the complement: PIK3AP1 is on the minus strand). VCF-style: chr10-96602352-G-T. GRCh37 (hg19) VCF-style: chr10-98362109-G-T.
Other names: c.2288C>A (NM_152309.2); short protein forms P763Q.
Identifiers: ClinVar variation 2173114 (VCV002173114.5), dbSNP rs1173110540, ClinGen allele CA377749242.